The following is an entry in ClinVar:

ClinVar aggregate classification (germline): Conflicting classifications of pathogenicity. Review status: criteria provided, conflicting classifications (1 of 4 stars). 2 submissions from 2 submitters: Likely pathogenic (1); Likely benign (1). Last evaluated 2025-09-16.

Conditions:
Hereditary cancer-predisposing syndrome. Also called: Tumor predisposition; Hereditary neoplastic syndrome; Neoplastic Syndromes, Hereditary; Hereditary Cancer Syndrome. Identifiers: Orphanet 140162, MedGen C0027672, MeSH D009386, MONDO:0015356.
Cardiovascular phenotype. Identifiers: MedGen CN230736.

Submissions (2):

Labcorp Genetics (formerly Invitae), Labcorp
Classification: Likely benign. Last evaluated: 2025-09-16. Review status: criteria provided, single submitter. Criteria: Invitae Variant Classification Sherloc (09022015). Collection method: clinical testing. Allele origin: germline.

Ambry Genetics
Classification: Likely pathogenic for Cardiovascular phenotype; Hereditary cancer-predisposing syndrome. Last evaluated: 2025-01-24. Review status: criteria provided, single submitter. Criteria: Ambry Variant Classification Scheme 2023. Collection method: clinical testing. Allele origin: germline.
Comment: The c.1149+20T>G intronic variant results from a T to G substitution 20 nucleotides after coding exon 10 in the LZTR1 gene. This variant is considered to be rare based on population cohorts in the Genome Aggregation Database (gnomAD). This nucleotide position is not well conserved in available vertebrate species. In silico splice site analysis predicts that this alteration will result in the creation or strengthening of a novel splice donor site. RNA studies have demonstrated that this alteration results in abnormal splicing in the set of samples tested (Ambry internal data). Loss-of-function variants in LZTR1 are related to an increased risk for schwannomas and autosomal recessive Noonan syndrome; however, such associations with autosomal dominant Noonan syndrome have not been observed (Piotrowski A et al. Nat Genet. 2014 Feb;46:182-7; Yamamoto GL et al. J Med Genet. 2015 Jun;52:413-21; Johnston JJ et al. Genet Med. 2018 10;20:1175-1185). Based on the supporting evidence, this variant is likely pathogenic for an increased risk of LZTR1-related schwannomatosis (SWN) and would be expected to cause autosomal recessive Noonan syndrome when present along with a second pathogenic or likely pathogenic variant on the other allele; however, the association of this alteration with autosomal dominant Noonan syndrome is unlikely.

NM_006767.4(LZTR1):c.1149+20T>G

Gene: LZTR1 (leucine zipper like post translational regulator 1; plus strand). Cytogenetic location: 22q11.21.
Variant type: single nucleotide variant.
Coding change: c.1149+20T>G on transcript NM_006767.4 (MANE Select); 20 bases into the intron after coding-DNA position 1149, T replaced by G.
Molecular consequence: intron variant.
Genome position (GRCh38, 1-based): chr22:20,992,389, T>G. VCF-style: chr22-20992389-T-G. GRCh37 (hg19) VCF-style: chr22-21346678-T-G.
Other names: c.1149+20T>G (NM_006767.3).
Identifiers: ClinVar variation 2202451 (VCV002202451.5), dbSNP rs2518618231, ClinGen allele CA2580099233.